The following is an entry in ClinVar:

NM_000836.4(GRIN2D):c.2705C>T (p.Ala902Val)

Gene: GRIN2D (glutamate ionotropic receptor NMDA type subunit 2D; plus strand). Cytogenetic location: 19q13.33.
Variant type: single nucleotide variant.
Coding change: c.2705C>T on transcript NM_000836.4 (MANE Select); coding-DNA position 2705, C replaced by T.
Protein change: p.Ala902Val; replaces alanine 902 with valine.
Molecular consequence: missense variant.
Genome position (GRCh38, 1-based): chr19:48,442,631, C>T. VCF-style: chr19-48442631-C-T. GRCh37 (hg19) VCF-style: chr19-48945888-C-T.
Other names: short protein forms A902V.
Identifiers: ClinVar variation 4781323 (VCV004781323.1).

ClinVar aggregate classification (germline): Uncertain significance (1 of 4 stars; one submission).

gnomAD v4.1: 4 of 1,494,510 alleles (0.00027%); highest among the groups gnomAD compares: Non-Finnish European, 0.00036%; no homozygotes.

Submission:

Labcorp Genetics (formerly Invitae), Labcorp
Classification: Uncertain significance. Last evaluated: 2025-08-04. Review status: criteria provided, single submitter. Criteria: Invitae Variant Classification Sherloc (09022015). Collection method: clinical testing. Allele origin: germline.
Comment: This sequence change replaces alanine, which is neutral and non-polar, with valine, which is neutral and non-polar, at codon 902 of the GRIN2D protein (p.Ala902Val). This variant is not present in population databases (gnomAD no frequency). This variant has not been reported in the literature in individuals affected with GRIN2D-related conditions. Invitae Evidence Modeling of protein sequence and biophysical properties (such as structural, functional, and spatial information, amino acid conservation, physicochemical variation, residue mobility, and thermodynamic stability) indicates that this missense variant is not expected to disrupt GRIN2D protein function with a negative predictive value of 95%. In summary, the available evidence is currently insufficient to determine the role of this variant in disease. Therefore, it has been classified as a Variant of Uncertain Significance.